The following is an entry in ClinVar:

NM_004999.4(MYO6):c.3246T>C (p.Tyr1082=)

Gene: MYO6 (myosin VI; plus strand). Cytogenetic location: 6q14.1.
Variant type: single nucleotide variant.
Coding change: c.3246T>C on transcript NM_004999.4 (MANE Select); coding-DNA position 3246, T replaced by C.
Protein change: p.Tyr1082=; no amino-acid change (tyrosine 1082 retained).
Molecular consequence: synonymous variant. On other transcripts: non-coding transcript variant (1).
Genome position (GRCh38, 1-based): chr6:75,907,674, T>C. VCF-style: chr6-75907674-T-C. GRCh37 (hg19) VCF-style: chr6-76617391-T-C.
Other names: c.3177T>C, p.Tyr1059= (NM_001300899.2, NM_001368136.1); c.3234T>C, p.Tyr1078= (NM_001368137.1); c.3162T>C, p.Tyr1054= (NM_001368138.1); c.3273T>C, p.Tyr1091= (NM_001368865.1, NM_001368866.1).
Identifiers: ClinVar variation 164644 (VCV000164644.66), dbSNP rs138437852, ClinGen allele CA177356.
Genomic context (GRCh38, chr6:75,907,674, plus strand): 5'-TGTACTAGCCACCAAAGCAGCTGCTGGTACTAAGAAATATGATCTTAGTAAATGGAAATA[T>C]GCAGAACTACGTGATACCATCAATACTTCTTGTGGTAAGTGTTTGGAGAAGATCAAAAAT-3'
Protein context (NP_004990.3, residues 1072-1092): TKKYDLSKWK[Tyr1082=]AELRDTINTS

ClinVar aggregate classification (germline): Conflicting classifications of pathogenicity. Review status: criteria provided, conflicting classifications (1 of 4 stars). 8 submissions from 7 submitters: Uncertain significance (1); Benign (6); Likely benign (1). Last evaluated 2026-01-27.

Conditions:
Autosomal recessive nonsyndromic hearing loss 37. Identifiers: Orphanet 90636, MedGen C1843028, MONDO:0011912, OMIM 607821.
Autosomal dominant nonsyndromic hearing loss 22. Also called: Autosomal dominant nonsyndromic deafness 22; DFNA 22. Identifiers: Orphanet 228012, MedGen C2931767, MONDO:0011660, OMIM 606346.

Allele frequency attached by ClinVar (database versions not stated): gnomAD exomes 0.00047 and 0.00117; ExAC 0.00139; gnomAD 0.00446 and 0.00470; 1000 Genomes Project 0.00479; ESP Exome Variant Server 0.00515; TOPMed 0.00517; 1000 Genomes Project 30x 0.00531.
gnomAD v4.1: 1,411 of 1,613,522 alleles (0.087%); highest among the groups gnomAD compares: African/African-American, 1.5%; 6 homozygotes.

Submissions (8):

Labcorp Genetics (formerly Invitae), Labcorp
Classification: Benign. Last evaluated: 2026-01-27. Review status: criteria provided, single submitter. Criteria: Invitae Variant Classification Sherloc (09022015). Collection method: clinical testing. Allele origin: germline.

Blueprint Genetics
Classification: Likely benign. Last evaluated: 2024-10-08. Review status: criteria provided, single submitter. Criteria: ACMG Guidelines, 2015. Collection method: clinical testing. Allele origin: germline.

ARUP Laboratories, Molecular Genetics and Genomics, ARUP Laboratories
Classification: Benign. Last evaluated: 2023-11-29. Review status: criteria provided, single submitter. Criteria: ARUP Molecular Germline Variant Investigation Process 2024. Collection method: clinical testing. Allele origin: germline.

GeneDx
Classification: Benign. Last evaluated: 2019-07-30. Review status: criteria provided, single submitter. Criteria: GeneDx Variant Classification Process June 2021. Collection method: clinical testing. Allele origin: germline. Affected: yes.

Athena Diagnostics
Classification: Benign. Last evaluated: 2018-09-14. Review status: criteria provided, single submitter. Criteria: Athena Diagnostics Criteria. Collection method: clinical testing. Allele origin: germline.

Illumina Laboratory Services, Illumina
Classification: Uncertain significance for Autosomal recessive nonsyndromic hearing loss 37. Last evaluated: 2018-01-13. Review status: criteria provided, single submitter. Criteria: ICSL Variant Classification Criteria 13 December 2019. Collection method: clinical testing. Allele origin: germline.

Illumina Laboratory Services, Illumina
Classification: Benign for Autosomal dominant nonsyndromic hearing loss 22. Last evaluated: 2018-01-13. Review status: criteria provided, single submitter. Criteria: ICSL Variant Classification Criteria 13 December 2019. Collection method: clinical testing. Allele origin: germline.
Comment: This variant was observed in the ICSL laboratory as part of a predisposition screen in an ostensibly healthy population. It had not been previously curated by ICSL or reported in the Human Gene Mutation Database (HGMD: prior to June 1st, 2018), and was therefore a candidate for classification through an automated scoring system. Utilizing variant allele frequency, disease prevalence and penetrance estimates, and inheritance mode, an automated score was calculated to assess if this variant is too frequent to cause the disease. Based on the score and internal cut-off values, a variant classified as benign is not then subjected to further curation. The score for this variant resulted in a classification of benign for this disease.

Laboratory for Molecular Medicine, Mass General Brigham Personalized Medicine
Classification: Benign. Last evaluated: 2012-04-30. Review status: criteria provided, single submitter. Criteria: LMM Criteria. Collection method: clinical testing. Allele origin: germline. Observed: 3 variant alleles.
Comment: Tyr1082Tyr in Exon 31 of MYO6: This variant is not expected to have clinical sig nificance because it does not alter an amino acid residue, is not located within the splice consensus sequence, and has been identified in 1.4% (51/3738) of Afr ican American chromosomes from a broad population by the NHLBI Exome Sequencing Project (dbSNP rs138437852).